The following is an entry in ClinVar:

NM_153603.4(COG7):c.319-11G>A

Gene: COG7 (component of oligomeric golgi complex 7; minus strand). Cytogenetic location: 16p12.2.
Variant type: single nucleotide variant.
Coding change: c.319-11G>A on transcript NM_153603.4 (MANE Select); 11 bases into the intron before coding-DNA position 319, G replaced by A.
Molecular consequence: intron variant.
Genome position (GRCh38, 1-based): chr16:23,445,175, C>T on the plus strand (G>A on the coding strand, the complement: COG7 is on the minus strand). VCF-style: chr16-23445175-C-T. GRCh37 (hg19) VCF-style: chr16-23456496-C-T.
Identifiers: ClinVar variation 386438 (VCV000386438.4), dbSNP rs374601516, ClinGen allele CA7961334.
Genomic context (GRCh38, chr16:23,445,175, plus strand): 5'-TCGGCAGCAAGTTGCATTCTGGACTTCACTTGGTCAATTTCTACCAACACCTGAAAGAGG[C>T]GTGAGGGGTGAAAAATGAAGGGGTAGGTCCTTTTTCTCCATCTGCCACCAGGGACTTGAA-3'

ClinVar aggregate classification (germline): Likely benign. Review status: criteria provided, multiple submitters, no conflicts (2 of 4 stars). 2 submissions from 2 submitters: Likely benign (2). Last evaluated 2025-10-19.

Conditions:
COG7 congenital disorder of glycosylation (CDG2E). Also called: CONGENITAL DISORDER OF GLYCOSYLATION, TYPE IIe; CDG IIe. Identifiers: Orphanet 79333, MedGen C2931010, MONDO:0012118, OMIM 608779.

Allele frequency attached by ClinVar (database versions not stated): gnomAD 0.00002; gnomAD exomes 0.00002 and 0.00005; TOPMed 0.00003; ExAC 0.00005; ESP Exome Variant Server 0.00008.
gnomAD v4.1: 73 of 1,592,322 alleles (0.0046%); highest among the groups gnomAD compares: Non-Finnish European, 0.0059%; no homozygotes.

Submissions (2):

Labcorp Genetics (formerly Invitae), Labcorp
Classification: Likely benign for COG7 congenital disorder of glycosylation. Last evaluated: 2025-10-19. Review status: criteria provided, single submitter. Criteria: Invitae Variant Classification Sherloc (09022015). Collection method: clinical testing. Allele origin: germline.

GeneDx
Classification: Likely benign. Last evaluated: 2016-05-25. Review status: criteria provided, single submitter. Criteria: GeneDx Variant Classification (06012015). Collection method: clinical testing. Allele origin: germline. Affected: yes.
Comment: This variant is considered likely benign or benign based on one or more of the following criteria: it is a conservative change, it occurs at a poorly conserved position in the protein, it is predicted to be benign by multiple in silico algorithms, and/or has population frequency not consistent with disease.